The following is an entry in ClinVar:

ClinVar aggregate classification (germline): Uncertain significance (1 of 4 stars; one submission).

Conditions:
Inborn genetic diseases. Identifiers: MedGen C0950123, MeSH D030342.

Submission:

Ambry Genetics
Classification: Uncertain significance for Inborn genetic diseases. Last evaluated: 2024-10-18. Review status: criteria provided, single submitter. Criteria: Ambry Variant Classification Scheme 2023. Collection method: clinical testing. Allele origin: germline.
Comment: The p.I97M variant (also known as c.291T>G), located in coding exon 3 of the ATR gene, results from a T to G substitution at nucleotide position 291. The isoleucine at codon 97 is replaced by methionine, an amino acid with highly similar properties. This amino acid position is conserved. In addition, this alteration is predicted to be tolerated by in silico analysis. Based on the available evidence, the clinical significance of this variant remains unclear.

NM_001184.4(ATR):c.291T>G (p.Ile97Met)

Gene: ATR (ATR serine/threonine kinase; minus strand). Cytogenetic location: 3q23.
Variant type: single nucleotide variant.
Coding change: c.291T>G on transcript NM_001184.4 (MANE Select); coding-DNA position 291, T replaced by G.
Protein change: p.Ile97Met; replaces isoleucine 97 with methionine.
Molecular consequence: missense variant.
Genome position (GRCh38, 1-based): chr3:142,566,122, A>C on the plus strand (T>G on the coding strand, the complement: ATR is on the minus strand). VCF-style: chr3-142566122-A-C. GRCh37 (hg19) VCF-style: chr3-142284964-A-C.
Other names: c.291T>G, p.Ile97Met (NM_001354579.2); short protein forms I97M.
Identifiers: ClinVar variation 3463114 (VCV003463114.1).